The following is an entry in ClinVar:

ClinVar aggregate classification (germline): Uncertain significance (1 of 4 stars; one submission).

Allele frequency attached by ClinVar (database versions not stated): gnomAD 0.00001; TOPMed 0.00003.
gnomAD v4.1: 4 of 1,614,066 alleles (0.00025%); highest among the groups gnomAD compares: Admixed American, 0.0017%; no homozygotes.

Submission:

Labcorp Genetics (formerly Invitae), Labcorp
Classification: Uncertain significance. Last evaluated: 2024-10-28. Review status: criteria provided, single submitter. Criteria: Invitae Variant Classification Sherloc (09022015). Collection method: clinical testing. Allele origin: germline.
Comment: This sequence change replaces proline, which is neutral and non-polar, with leucine, which is neutral and non-polar, at codon 275 of the CCBE1 protein (p.Pro275Leu). This variant is present in population databases (no rsID available, gnomAD 0.007%). This variant has not been reported in the literature in individuals affected with CCBE1-related conditions. ClinVar contains an entry for this variant (Variation ID: 1902339). Invitae Evidence Modeling of protein sequence and biophysical properties (such as structural, functional, and spatial information, amino acid conservation, physicochemical variation, residue mobility, and thermodynamic stability) indicates that this missense variant is not expected to disrupt CCBE1 protein function with a negative predictive value of 80%. In summary, the available evidence is currently insufficient to determine the role of this variant in disease. Therefore, it has been classified as a Variant of Uncertain Significance.

NM_133459.4(CCBE1):c.824C>T (p.Pro275Leu)

Gene: CCBE1 (collagen and calcium binding EGF domains 1; minus strand). Cytogenetic location: 18q21.32.
Variant type: single nucleotide variant.
Coding change: c.824C>T on transcript NM_133459.4 (MANE Select); coding-DNA position 824, C replaced by T.
Protein change: p.Pro275Leu; replaces proline 275 with leucine.
Molecular consequence: missense variant.
Genome position (GRCh38, 1-based): chr18:59,439,768, G>A on the plus strand (C>T on the coding strand, the complement: CCBE1 is on the minus strand). VCF-style: chr18-59439768-G-A. GRCh37 (hg19) VCF-style: chr18-57107000-G-A.
Other names: short protein forms P275L.
Identifiers: ClinVar variation 1902339 (VCV001902339.5), dbSNP rs1023620788, ClinGen allele CA301039607.